The following is an entry in ClinVar:

ClinVar aggregate classification (germline): Uncertain significance (0 of 4 stars; one submission).

Conditions:
CTCF-related disorder. Also called: CTCF-related condition. Identifiers: MedGen CN381101.

Submission:

PreventionGenetics, part of Exact Sciences
Classification: Uncertain significance for CTCF-related condition. Last evaluated: 2024-08-14. Review status: no assertion criteria provided. Collection method: clinical testing. Allele origin: germline.
Comment: The CTCF c.1124G>A variant is predicted to result in the amino acid substitution p.Gly375Glu. To our knowledge, this variant has not been reported in the literature or in a large population database, indicating this variant is rare. At this time, the clinical significance of this variant is uncertain due to the absence of conclusive functional and genetic evidence.

NM_006565.4(CTCF):c.1124G>A (p.Gly375Glu)

Gene: CTCF (CCCTC-binding factor; plus strand). Cytogenetic location: 16q22.1.
Variant type: single nucleotide variant.
Coding change: c.1124G>A on transcript NM_006565.4 (MANE Select); coding-DNA position 1124, G replaced by A.
Protein change: p.Gly375Glu; replaces glycine 375 with glutamic acid.
Molecular consequence: missense variant.
Genome position (GRCh38, 1-based): chr16:67,620,734, G>A. VCF-style: chr16-67620734-G-A. GRCh37 (hg19) VCF-style: chr16-67654637-G-A.
Other names: c.140G>A, p.Gly47Glu (NM_001191022.2); c.1124G>A, p.Gly375Glu (NM_001363916.2); short protein forms G375E, G47E.
Identifiers: ClinVar variation 3344412 (VCV003344412.1).